The following is an entry in ClinVar:

NM_001080517.3(SETD5):c.3819T>C (p.Ser1273=)

Gene: SETD5 (SET domain containing 5; plus strand). Cytogenetic location: 3p25.3.
Variant type: single nucleotide variant.
Coding change: c.3819T>C on transcript NM_001080517.3 (MANE Select); coding-DNA position 3819, T replaced by C.
Protein change: p.Ser1273=; no amino-acid change (serine 1273 retained).
Molecular consequence: synonymous variant.
Genome position (GRCh38, 1-based): chr3:9,475,581, T>C. VCF-style: chr3-9475581-T-C. GRCh37 (hg19) VCF-style: chr3-9517265-T-C.
Other names: c.3525T>C, p.Ser1175= (NM_001292043.2, NM_001349451.2).
Identifiers: ClinVar variation 1607888 (VCV001607888.36), dbSNP rs777309500, ClinGen allele CA2239805.

ClinVar aggregate classification (germline): Likely benign. Review status: criteria provided, multiple submitters, no conflicts (2 of 4 stars). 2 submissions from 2 submitters: Likely benign (2). Last evaluated 2023-10-03.

Allele frequency attached by ClinVar (database versions not stated): gnomAD exomes below 0.00001 and 0.00001; ExAC 0.00001; gnomAD 0.00001.
gnomAD v4.1: 5 of 1,613,806 alleles (0.00031%); highest among the groups gnomAD compares: Non-Finnish European, 0.00025%; no homozygotes.

Submissions (2):

Labcorp Genetics (formerly Invitae), Labcorp
Classification: Likely benign. Last evaluated: 2023-10-03. Review status: criteria provided, single submitter. Criteria: Invitae Variant Classification Sherloc (09022015). Collection method: clinical testing. Allele origin: germline.

CeGaT Center for Human Genetics Tuebingen
Classification: Likely benign. Last evaluated: 2023-01-01. Review status: criteria provided, single submitter. Criteria: CeGaT Center For Human Genetics Tuebingen Variant Classification Criteria Version 2. Collection method: clinical testing. Allele origin: germline. Affected: yes. Observed: 1 variant allele.
Comment: SETD5: BP4